The following is an entry in ClinVar:

ClinVar aggregate classification (germline): Uncertain significance (1 of 4 stars; one submission).

Conditions:
Catecholaminergic polymorphic ventricular tachycardia 1. Also called: VENTRICULAR TACHYCARDIA, STRESS-INDUCED POLYMORPHIC 1; VENTRICULAR TACHYCARDIA, CATECHOLAMINERGIC POLYMORPHIC, 1, WITH OR WITHOUT ATRIAL DYSFUNCTION AND/OR DILATED CARDIOMYOPATHY; RYR2-Related Catecholaminergic Polymorphic Ventricular Tachycardia. Identifiers: Orphanet 3286, MedGen C1631597, MONDO:0011484, OMIM 604772.

Submission:

Labcorp Genetics (formerly Invitae), Labcorp
Classification: Uncertain significance for Catecholaminergic polymorphic ventricular tachycardia 1. Last evaluated: 2022-07-26. Review status: criteria provided, single submitter. Criteria: Invitae Variant Classification Sherloc (09022015). Collection method: clinical testing. Allele origin: germline.
Comment: This sequence change replaces arginine, which is basic and polar, with serine, which is neutral and polar, at codon 3345 of the RYR2 protein (p.Arg3345Ser). In summary, the available evidence is currently insufficient to determine the role of this variant in disease. Therefore, it has been classified as a Variant of Uncertain Significance. Advanced modeling of protein sequence and biophysical properties (such as structural, functional, and spatial information, amino acid conservation, physicochemical variation, residue mobility, and thermodynamic stability) performed at Invitae indicates that this missense variant is not expected to disrupt RYR2 protein function. ClinVar contains an entry for this variant (Variation ID: 1011126). This variant has not been reported in the literature in individuals affected with RYR2-related conditions. This variant is not present in population databases (gnomAD no frequency).

NM_001035.3(RYR2):c.10035G>T (p.Arg3345Ser)

Gene: RYR2 (ryanodine receptor 2; plus strand). Cytogenetic location: 1q43.
Variant type: single nucleotide variant.
Coding change: c.10035G>T on transcript NM_001035.3 (MANE Select); coding-DNA position 10035, G replaced by T.
Protein change: p.Arg3345Ser; replaces arginine 3345 with serine.
Molecular consequence: missense variant.
Genome position (GRCh38, 1-based): chr1:237,708,991, G>T. VCF-style: chr1-237708991-G-T. GRCh37 (hg19) VCF-style: chr1-237872291-G-T.
Other names: short protein forms R3345S.
Identifiers: ClinVar variation 1011126 (VCV001011126.48), dbSNP rs754976419, ClinGen allele CA345410767.